The following is an entry in ClinVar:

ClinVar aggregate classification (germline): Uncertain significance (1 of 4 stars; one submission).

Conditions:
Epidermolysis bullosa simplex, Ogna type (EBS5A). Also called: Pidermolysis bullosa simplex 5A, Ogna type; EPIDERMOLYSIS BULLOSA SIMPLEX 5A, OGNA TYPE. Identifiers: Orphanet 79401, MedGen C0432317, MONDO:0007555, OMIM 131950.
Autosomal recessive limb-girdle muscular dystrophy type 2Q (LGMDR17). Also called: MUSCULAR DYSTROPHY, LIMB-GIRDLE, AUTOSOMAL RECESSIVE 17. Identifiers: Orphanet 254361, MedGen C3150989, MONDO:0013390, OMIM 613723.
Epidermolysis bullosa simplex with nail dystrophy (EBS5D). Identifiers: MedGen C4225309, MONDO:0014661, OMIM 616487.
Epidermolysis bullosa simplex 5B, with muscular dystrophy (EBS5B). Also called: Epidermolysis bullosa simplex with muscular dystrophy; EPIDERMOLYSIS BULLOSA SIMPLEX AND LIMB-GIRDLE MUSCULAR DYSTROPHY. Identifiers: Orphanet 257, MedGen C2931072, MONDO:0009181, OMIM 226670.
Epidermolysis bullosa simplex 5C, with pyloric atresia (EBS5C). Also called: PLEC-Related Epidermolysis Bullosa with Pyloric Atresia; Epidermolysis bullosa simplex with pyloric atresia; PLEC1-Related Epidermolysis Bullosa with Pyloric Atresia. Identifiers: Orphanet 158684, MedGen C2677349, MONDO:0012807, OMIM 612138.

Allele frequency attached by ClinVar (database versions not stated): TOPMed below 0.00001.

Submission:

Labcorp Genetics (formerly Invitae), Labcorp
Classification: Uncertain significance for Autosomal recessive limb-girdle muscular dystrophy type 2Q; Epidermolysis bullosa simplex, Ogna type; Epidermolysis bullosa simplex with nail dystrophy; Epidermolysis bullosa simplex 5C, with pyloric atresia; Epidermolysis bullosa simplex 5B, with muscular dystrophy. Last evaluated: 2018-07-25. Review status: criteria provided, single submitter. Criteria: Invitae Variant Classification Sherloc (09022015). Collection method: clinical testing. Allele origin: germline.
Comment: Algorithms developed to predict the effect of missense changes on protein structure and function are either unavailable or do not agree on the potential impact of this missense change (SIFT: "Deleterious"; PolyPhen-2: "Probably Damaging"; Align-GVGD: "Class C0"). This variant has not been reported in the literature in individuals with PLEC-related disease. This variant is not present in population databases (ExAC no frequency). This sequence change replaces valine with methionine at codon 3976 of the PLEC protein (p.Val3976Met). The valine residue is highly conserved and there is a small physicochemical difference between valine and methionine. In summary, the available evidence is currently insufficient to determine the role of this variant in disease. Therefore, it has been classified as a Variant of Uncertain Significance.

NM_201384.3(PLEC):c.11845G>A (p.Val3949Met)

Gene: PLEC (plectin; minus strand). Cytogenetic location: 8q24.3.
Variant type: single nucleotide variant.
Coding change: c.11845G>A on transcript NM_201384.3 (MANE Select); coding-DNA position 11845, G replaced by A.
Protein change: p.Val3949Met; replaces valine 3949 with methionine.
Molecular consequence: missense variant.
Genome position (GRCh38, 1-based): chr8:143,917,976, C>T on the plus strand (G>A on the coding strand, the complement: PLEC is on the minus strand). VCF-style: chr8-143917976-C-T. GRCh37 (hg19) VCF-style: chr8-144992144-C-T.
Other names: c.11926G>A, p.Val3976Met (NM_000445.5); c.11803G>A, p.Val3935Met (NM_201378.4); c.11779G>A, p.Val3927Met (NM_201379.3); c.12256G>A, p.Val4086Met (NM_201380.4); c.11749G>A, p.Val3917Met (NM_201381.3); c.11845G>A, p.Val3949Met (NM_201382.4); c.11857G>A, p.Val3953Met (NM_201383.3); short protein forms V3949M, V3927M, V3953M, V3917M, V3976M, V4086M, V3935M.
Identifiers: ClinVar variation 643239 (VCV000643239.9), dbSNP rs1554673647, ClinGen allele CA372487930.